The following is an entry in ClinVar:

NM_205836.3(FBXO38):c.3433A>T (p.Ile1145Phe)

Gene: FBXO38 (F-box protein 38; plus strand). Cytogenetic location: 5q32.
Variant type: single nucleotide variant.
Coding change: c.3433A>T on transcript NM_205836.3 (MANE Select); coding-DNA position 3433, A replaced by T.
Protein change: p.Ile1145Phe; replaces isoleucine 1145 with phenylalanine.
Molecular consequence: missense variant.
Genome position (GRCh38, 1-based): chr5:148,442,013, A>T. VCF-style: chr5-148442013-A-T. GRCh37 (hg19) VCF-style: chr5-147821576-A-T.
Other names: c.2698A>T, p.Ile900Phe (NM_001271723.2); c.3208A>T, p.Ile1070Phe (NM_030793.5); short protein forms I1145F, I1070F, I900F.
Identifiers: ClinVar variation 2718596 (VCV002718596.3), dbSNP rs759030587, ClinGen allele CA128957181.
Genomic context (GRCh38, chr5:148,442,013, plus strand): 5'-ATTTCTAATTTCAAAGGCACTATCTATGCTCCTAGAAGGAAAGGACAGCTGTCTGCAGAC[A>T]TCTGTATGGAAACAATAGGAGAGGAAATTTCAGAGATGCGTCAGATGAAGAAGGGTGTAT-3'
Protein context (NP_995308.1, residues 1135-1155): PRRKGQLSAD[Ile1145Phe]CMETIGEEIS

ClinVar aggregate classification (germline): Uncertain significance (1 of 4 stars; one submission).

Conditions:
Distal hereditary motor neuropathy type 2. Identifiers: Orphanet 139525, MedGen C3711384, MeSH C580044, MONDO:0015352.

Allele frequency attached by ClinVar (database versions not stated): gnomAD 0.00001.
gnomAD v4.1: 44 of 1,614,080 alleles (0.0027%); highest among the groups gnomAD compares: Non-Finnish European, 0.0036%; no homozygotes.

Submission:

Labcorp Genetics (formerly Invitae), Labcorp
Classification: Uncertain significance for Distal hereditary motor neuropathy type 2. Last evaluated: 2023-04-22. Review status: criteria provided, single submitter. Criteria: Invitae Variant Classification Sherloc (09022015). Collection method: clinical testing. Allele origin: germline.
Comment: In summary, the available evidence is currently insufficient to determine the role of this variant in disease. Therefore, it has been classified as a Variant of Uncertain Significance. An algorithm developed to predict the effect of missense changes on protein structure and function (PolyPhen-2) suggests that this variant is likely to be disruptive. This variant has not been reported in the literature in individuals affected with FBXO38-related conditions. This variant is present in population databases (no rsID available, gnomAD 0.002%). This sequence change replaces isoleucine, which is neutral and non-polar, with phenylalanine, which is neutral and non-polar, at codon 1070 of the FBXO38 protein (p.Ile1070Phe).